The following is an entry in ClinVar:

ClinVar aggregate classification (germline): Uncertain significance (1 of 4 stars; one submission).

Submission:

Labcorp Genetics (formerly Invitae), Labcorp
Classification: Uncertain significance. Last evaluated: 2024-04-10. Review status: criteria provided, single submitter. Criteria: Invitae Variant Classification Sherloc (09022015). Collection method: clinical testing. Allele origin: germline.
Comment: This sequence change replaces threonine, which is neutral and polar, with proline, which is neutral and non-polar, at codon 208 of the PSMB4 protein (p.Thr208Pro). This variant is not present in population databases (gnomAD no frequency). This variant has not been reported in the literature in individuals affected with PSMB4-related conditions. An algorithm developed to predict the effect of missense changes on protein structure and function (PolyPhen-2) suggests that this variant is likely to be tolerated. In summary, the available evidence is currently insufficient to determine the role of this variant in disease. Therefore, it has been classified as a Variant of Uncertain Significance.

NM_002796.3(PSMB4):c.622A>C (p.Thr208Pro)

Gene: PSMB4 (proteasome 20S subunit beta 4; plus strand). Cytogenetic location: 1q21.3.
Variant type: single nucleotide variant.
Coding change: c.622A>C on transcript NM_002796.3 (MANE Select); coding-DNA position 622, A replaced by C.
Protein change: p.Thr208Pro; replaces threonine 208 with proline.
Molecular consequence: missense variant.
Genome position (GRCh38, 1-based): chr1:151,401,284, A>C. VCF-style: chr1-151401284-A-C. GRCh37 (hg19) VCF-style: chr1-151373760-A-C.
Other names: short protein forms T208P.
Identifiers: ClinVar variation 2778656 (VCV002778656.3), dbSNP rs2529160271, ClinGen allele CA341926423.